The following is an entry in ClinVar:

ClinVar aggregate classification (germline): Likely benign (1 of 4 stars; one submission).

Conditions:
Renal tubular dysgenesis. Also called: Renotubular dysgenesis. Identifiers: Orphanet 3033, MedGen C0266313, MONDO:0017609, HP:0008660.

Allele frequency attached by ClinVar (database versions not stated): ExAC 0.00053; gnomAD 0.00193 and 0.00207; 1000 Genomes Project 0.00200; TOPMed 0.00207; ESP Exome Variant Server 0.00223; 1000 Genomes Project 30x 0.00234; gnomAD exomes 0.00021 and 0.00042.
gnomAD v4.1: 591 of 1,606,398 alleles (0.037%); highest among the groups gnomAD compares: African/African-American, 0.71%; no homozygotes.

Submission:

Illumina Laboratory Services, Illumina
Classification: Likely benign for Renal tubular dysgenesis of genetic origin. Last evaluated: 2018-01-13. Review status: criteria provided, single submitter. Criteria: ICSL Variant Classification Criteria 13 December 2019. Collection method: clinical testing. Allele origin: germline.
Comment: This variant was observed in the ICSL laboratory as part of a predisposition screen in an ostensibly healthy population. It had not been previously curated by ICSL or reported in the Human Gene Mutation Database (HGMD: prior to June 1st, 2018), and was therefore a candidate for classification through an automated scoring system. Utilizing variant allele frequency, disease prevalence and penetrance estimates, and inheritance mode, an automated score was calculated to assess if this variant is too frequent to cause the disease. Based on the score and internal cut-off values, a variant classified as likely benign is not then subjected to further curation. The score for this variant resulted in a classification of likely benign for this disease.

NC_000001.11:g.230703101G>A

Gene: AGT (angiotensinogen; minus strand). Cytogenetic location: 1q42.2.
Variant type: single nucleotide variant.
Genome position: GRCh38 VCF-style: chr1-230703101-G-A. GRCh37 (hg19) VCF-style: chr1-230838847-G-A.
Other names: NM_000029.3:c.*40C>T.
Identifiers: ClinVar variation 875822 (VCV000875822.4), dbSNP rs5042, ClinGen allele CA1448011.
Genomic context (GRCh38, chr1:230,703,101, plus strand): 5'-CACATCGCTGATTTGTCCGGGGTTGTTATCTGCTGCTGGCCTTTGCCTCAAAGGCCAGGG[G>A]CAGAGGCCTTGCCAGGCACTGTGTTCTGGGGCCCTGGCCTCATGCTGTGCTCAGCGGGTT-3'